The following is an entry in ClinVar:

ClinVar aggregate classification (germline): Likely benign. Review status: criteria provided, multiple submitters, no conflicts (2 of 4 stars). 3 submissions from 3 submitters: Likely benign (2). 1 of the submissions does not count toward it. Last evaluated 2025-10-21.

Conditions:
VIM-related disorder. Also called: VIM-related condition.
Cataract 30 (CTRCT30). Also called: CATARACT 30, PULVERULENT. Identifiers: Orphanet 91492, Orphanet 98984, Orphanet 98992, MedGen C3805411, MONDO:0007286, OMIM 116300.

Allele frequency attached by ClinVar (database versions not stated): gnomAD exomes 0.00013 and 0.00030; gnomAD 0.00107 and 0.00115; ExAC 0.00052; ESP Exome Variant Server 0.00085; TOPMed 0.00114; 1000 Genomes Project 0.00180; 1000 Genomes Project 30x 0.00219.
gnomAD v4.1: 373 of 1,612,268 alleles (0.023%); highest among the groups gnomAD compares: African/African-American, 0.32%; 2 homozygotes.

Submissions (3):

Labcorp Genetics (formerly Invitae), Labcorp
Classification: Likely benign for Cataract 30. Last evaluated: 2025-10-21. Review status: criteria provided, single submitter. Criteria: Invitae Variant Classification Sherloc (09022015). Collection method: clinical testing. Allele origin: germline.

Breakthrough Genomics
Classification: Likely benign. Review status: criteria provided, single submitter. Criteria: ACMG Guidelines, 2015. Collection method: not provided. Allele origin: germline. Inheritance: Autosomal dominant inheritance. Affected: yes.

PreventionGenetics, part of Exact Sciences
Classification: Likely benign for VIM-related condition. Last evaluated: 2021-05-19. Review status: no assertion criteria provided. Collection method: clinical testing. Allele origin: germline. Not counted in ClinVar's aggregate classification.
Comment: This variant is classified as likely benign based on ACMG/AMP sequence variant interpretation guidelines (Richards et al. 2015 PMID: 25741868, with internal and published modifications).

NM_003380.5(VIM):c.542A>C (p.Asp181Ala)

Genes: VIM (vimentin; plus strand), VIM-AS1 (VIM antisense RNA 1; minus strand). Cytogenetic location: 10p13.
Variant type: single nucleotide variant.
Coding change: c.542A>C on transcript NM_003380.5 (MANE Select); coding-DNA position 542, A replaced by C.
Protein change: p.Asp181Ala; replaces aspartic acid 181 with alanine.
Molecular consequence: missense variant. On other transcripts: non-coding transcript variant (1).
Genome position (GRCh38, 1-based): chr10:17,229,964, A>C. VCF-style: chr10-17229964-A-C. GRCh37 (hg19) VCF-style: chr10-17271963-A-C.
Other names: short protein forms D181A.
Identifiers: ClinVar variation 772763 (VCV000772763.13), dbSNP rs149942621, ClinGen allele CA5426418.